The following is an entry in ClinVar:

ClinVar aggregate classification (germline): Uncertain significance. Review status: criteria provided, multiple submitters, no conflicts (2 of 4 stars). 2 submissions from 2 submitters: Uncertain significance (2). Last evaluated 2024-12-16.

Conditions:
Inborn genetic diseases. Identifiers: MedGen C0950123, MeSH D030342.
Congenital neutropenia-myelofibrosis-nephromegaly syndrome. Also called: Severe congenital neutropenia 5, autosomal recessive. Identifiers: Orphanet 369852, MedGen C3809031, MONDO:0014118, OMIM 615285.

Allele frequency attached by ClinVar (database versions not stated): TOPMed below 0.00001; gnomAD exomes 0.00001.
gnomAD v4.1: 11 of 1,614,036 alleles (0.00068%); highest among the groups gnomAD compares: Non-Finnish European, 0.00085%; no homozygotes.

Submissions (2):

Ambry Genetics
Classification: Uncertain significance for Inborn genetic diseases. Last evaluated: 2024-12-16. Review status: criteria provided, single submitter. Criteria: Ambry Variant Classification Scheme 2023. Collection method: clinical testing. Allele origin: germline.

Labcorp Genetics (formerly Invitae), Labcorp
Classification: Uncertain significance for Congenital neutropenia-myelofibrosis-nephromegaly syndrome. Last evaluated: 2023-07-09. Review status: criteria provided, single submitter. Criteria: Invitae Variant Classification Sherloc (09022015). Collection method: clinical testing. Allele origin: germline.
Comment: This sequence change replaces aspartic acid, which is acidic and polar, with valine, which is neutral and non-polar, at codon 362 of the VPS45 protein (p.Asp362Val). This variant is not present in population databases (gnomAD no frequency). This variant has not been reported in the literature in individuals affected with VPS45-related conditions. Advanced modeling of protein sequence and biophysical properties (such as structural, functional, and spatial information, amino acid conservation, physicochemical variation, residue mobility, and thermodynamic stability) performed at Invitae indicates that this missense variant is not expected to disrupt VPS45 protein function. In summary, the available evidence is currently insufficient to determine the role of this variant in disease. Therefore, it has been classified as a Variant of Uncertain Significance.

NM_007259.5(VPS45):c.1085A>T (p.Asp362Val)

Gene: VPS45 (vacuolar protein sorting 45 homolog; plus strand). Cytogenetic location: 1q21.2.
Variant type: single nucleotide variant.
Coding change: c.1085A>T on transcript NM_007259.5 (MANE Select); coding-DNA position 1085, A replaced by T.
Protein change: p.Asp362Val; replaces aspartic acid 362 with valine.
Molecular consequence: missense variant. On other transcripts: non-coding transcript variant (1).
Genome position (GRCh38, 1-based): chr1:150,082,864, A>T. VCF-style: chr1-150082864-A-T. GRCh37 (hg19) VCF-style: chr1-150054948-A-T.
Other names: c.770A>T, p.Asp257Val (NM_001279353.2); c.977A>T, p.Asp326Val (NM_001279354.2); c.1085A>T (NM_007259.3); short protein forms D257V, D326V, D362V.
Identifiers: ClinVar variation 2916113 (VCV002916113.3), dbSNP rs1474289007, ClinGen allele CA342253220.
Genomic context (GRCh38, chr1:150,082,864, plus strand): 5'-TCAGTGAACGGAATCTGCTGGAGGTTTCAGAGGTTGAGCAAGAACTGGCCTGTCAAAATG[A>T]CCATTCTAGTGCTCTCCAGGTCAGTCCAATTTGATGAGCACCTACTATGTGTAAGGCACT-3'
Protein context (NP_009190.2, residues 352-372): EVEQELACQN[Asp362Val]HSSALQNIKR